The following is an entry in ClinVar:

NM_012330.4(KAT6B):c.5899A>G (p.Met1967Val)

Gene: KAT6B (lysine acetyltransferase 6B; plus strand). Cytogenetic location: 10q22.2.
Variant type: single nucleotide variant.
Coding change: c.5899A>G on transcript NM_012330.4 (MANE Select); coding-DNA position 5899, A replaced by G.
Protein change: p.Met1967Val; replaces methionine 1967 with valine.
Molecular consequence: missense variant.
Genome position (GRCh38, 1-based): chr10:75,030,723, A>G. VCF-style: chr10-75030723-A-G. GRCh37 (hg19) VCF-style: chr10-76790481-A-G.
Other names: c.5899A>G, p.Met1967Val (NM_001370136.1, NM_001370137.1); c.5350A>G, p.Met1784Val (NM_001370138.1, NM_001256468.2); c.5023A>G, p.Met1675Val (NM_001370139.1, NM_001370140.1, NM_001370141.1 and 2 more transcripts); c.4834A>G, p.Met1612Val (NM_001370143.1, NM_001370144.1); c.4861A>G, p.Met1621Val (NM_001370132.1); c.4210A>G, p.Met1404Val (NM_001370133.1); c.3814A>G, p.Met1272Val (NM_001370134.1); c.3556A>G, p.Met1186Val (NM_001370135.1); short protein forms M1621V, M1675V, M1272V, M1404V, M1967V, M1186V, M1612V, M1784V.
Identifiers: ClinVar variation 1521365 (VCV001521365.6), dbSNP rs750955934, ClinGen allele CA5565275.

ClinVar aggregate classification (germline): Uncertain significance (1 of 4 stars; one submission).

Conditions:
Genitopatellar syndrome (GTPTS). Also called: ABSENT PATELLAE, SCROTAL HYPOPLASIA, RENAL ANOMALIES, FACIAL DYSMORPHISM, AND MENTAL RETARDATION; Genitopatellar syndrome (GPS). Identifiers: Orphanet 85201, MedGen C1853566, MONDO:0011640, OMIM 606170.

Allele frequency attached by ClinVar (database versions not stated): gnomAD exomes below 0.00001; ExAC 0.00001.

Submission:

Labcorp Genetics (formerly Invitae), Labcorp
Classification: Uncertain significance for Genitopatellar syndrome. Last evaluated: 2021-08-31. Review status: criteria provided, single submitter. Criteria: Invitae Variant Classification Sherloc (09022015). Collection method: clinical testing. Allele origin: germline.
Comment: This sequence change replaces methionine with valine at codon 1967 of the KAT6B protein (p.Met1967Val). The methionine residue is weakly conserved and there is a small physicochemical difference between methionine and valine. This variant is present in population databases (rs750955934, ExAC 0.006%). This variant has not been reported in the literature in individuals affected with KAT6B-related conditions. Algorithms developed to predict the effect of missense changes on protein structure and function are either unavailable or do not agree on the potential impact of this missense change (SIFT: "Tolerated"; PolyPhen-2: "Probably Damaging"; Align-GVGD: "Class C0"). Algorithms developed to predict the effect of sequence changes on RNA splicing suggest that this variant may create or strengthen a splice site. In summary, the available evidence is currently insufficient to determine the role of this variant in disease. Therefore, it has been classified as a Variant of Uncertain Significance.